The following is an entry in ClinVar:

NM_000179.3(MSH6):c.3121G>A (p.Asp1041Asn)

Gene: MSH6 (mutS homolog 6; plus strand). Cytogenetic location: 2p16.3.
Variant type: single nucleotide variant.
Coding change: c.3121G>A on transcript NM_000179.3 (MANE Select); coding-DNA position 3121, G replaced by A.
Protein change: p.Asp1041Asn; replaces aspartic acid 1041 with asparagine.
Molecular consequence: missense variant.
Genome position (GRCh38, 1-based): chr2:47,801,104, G>A. VCF-style: chr2-47801104-G-A. GRCh37 (hg19) VCF-style: chr2-48028243-G-A.
Other names: c.2731G>A, p.Asp911Asn (NM_001281492.2); c.2215G>A, p.Asp739Asn (NM_001281493.2, NM_001281494.2); short protein forms D1041N, D739N, D911N.
Identifiers: ClinVar variation 1356926 (VCV001356926.14), dbSNP rs2104441362, ClinGen allele CA346756637.

ClinVar aggregate classification (germline): Uncertain significance. Review status: criteria provided, multiple submitters, no conflicts (2 of 4 stars). 4 submissions from 4 submitters: Uncertain significance (4). Last evaluated 2025-05-02.

Conditions:
Hereditary nonpolyposis colorectal neoplasms. Identifiers: MedGen C0009405, MeSH D003123.
Hereditary cancer-predisposing syndrome. Also called: Tumor predisposition; Hereditary neoplastic syndrome; Neoplastic Syndromes, Hereditary; Hereditary Cancer Syndrome. Identifiers: Orphanet 140162, MedGen C0027672, MeSH D009386, MONDO:0015356.
Lynch syndrome. Identifiers: Orphanet 144, MedGen C4552100, MONDO:0005835. Disease mechanism: loss of function.

Allele frequency attached by ClinVar (database versions not stated): gnomAD exomes below 0.00001.
gnomAD v4.1: 1 of 1,612,716 alleles (0.000062%); highest among the groups gnomAD compares: Non-Finnish European, 0.000085%; no homozygotes.

Submissions (4):

Ambry Genetics
Classification: Uncertain significance for Hereditary cancer-predisposing syndrome. Last evaluated: 2025-05-02. Review status: criteria provided, single submitter. Criteria: Ambry Variant Classification Scheme 2023. Collection method: clinical testing. Allele origin: germline.
Comment: The p.D1041N variant (also known as c.3121G>A), located in coding exon 4 of the MSH6 gene, results from a G to A substitution at nucleotide position 3121. The aspartic acid at codon 1041 is replaced by asparagine, an amino acid with highly similar properties. This amino acid position is highly conserved in available vertebrate species. In addition, the in silico prediction for this alteration is inconclusive. Based on the available evidence, the clinical significance of this variant remains unclear.

Labcorp Genetics (formerly Invitae), Labcorp
Classification: Uncertain significance for Hereditary nonpolyposis colorectal neoplasms. Last evaluated: 2024-04-29. Review status: criteria provided, single submitter. Criteria: Invitae Variant Classification Sherloc (09022015). Collection method: clinical testing. Allele origin: germline.
Comment: This sequence change replaces aspartic acid, which is acidic and polar, with asparagine, which is neutral and polar, at codon 1041 of the MSH6 protein (p.Asp1041Asn). This variant is not present in population databases (gnomAD no frequency). This variant has not been reported in the literature in individuals affected with MSH6-related conditions. ClinVar contains an entry for this variant (Variation ID: 1356926). Advanced modeling of protein sequence and biophysical properties (such as structural, functional, and spatial information, amino acid conservation, physicochemical variation, residue mobility, and thermodynamic stability) performed at Invitae indicates that this missense variant is not expected to disrupt MSH6 protein function with a negative predictive value of 95%. In summary, the available evidence is currently insufficient to determine the role of this variant in disease. Therefore, it has been classified as a Variant of Uncertain Significance.

All of Us Research Program, National Institutes of Health
Classification: Uncertain significance for Lynch syndrome. Last evaluated: 2023-06-28. Review status: criteria provided, single submitter. Criteria: ACMG Guidelines, 2015. Collection method: clinical testing. Allele origin: germline. Inheritance: Autosomal dominant inheritance. Observed: 1 variant allele, 1 heterozygote.
Comment: This study involves interpretation of variants in research participants for the purpose of population health screening. Participant phenotype was not available at the time of variant classification. Additional details can be found in publication PMID: 35346344, PMCID: PMC8962531

Color Diagnostics, LLC DBA Color Health
Classification: Uncertain significance for Hereditary cancer-predisposing syndrome. Last evaluated: 2023-03-28. Review status: criteria provided, single submitter. Criteria: ACMG Guidelines, 2015. Collection method: clinical testing. Allele origin: germline.
Comment: This missense variant replaces aspartic acid with asparagine at codon 1041 of the MSH6 protein. Computational prediction is inconclusive regarding the impact of this variant on protein structure and function (internally defined REVEL score threshold 0.5 < inconclusive < 0.7, PMID: 27666373). To our knowledge, functional studies have not been reported for this variant. This variant has not been reported in individuals affected with MSH6-related disorders in the literature. This variant has not been identified in the general population by the Genome Aggregation Database (gnomAD). The available evidence is insufficient to determine the role of this variant in disease conclusively. Therefore, this variant is classified as a Variant of Uncertain Significance.